The following is an entry in ClinVar:

NM_153717.3(EVC):c.2399_2408del (p.Ile800fs)

Gene: EVC (EvC ciliary complex subunit 1; plus strand). Cytogenetic location: 4p16.2.
Variant type: Deletion.
Coding change: c.2399_2408del on transcript NM_153717.3 (MANE Select); coding-DNA positions 2399 to 2408, 10 bases deleted (TCATGGAGGA; older notation c.2399_2408delTCATGGAGGA).
Protein change: p.Ile800fs; shifts the reading frame from isoleucine 800.
Molecular consequence: frameshift variant.
Genome position (GRCh38, 1-based): chr4:5,802,044-5,802,053, TCATGGAGGA deleted; deleting any 10 consecutive bases within chr4:5,802,040-5,802,053 gives the same sequence; the c. name uses the placement nearest the transcript's 3' end. VCF-style (leftmost placement, unchanged base first): chr4-5802039-AAGGATCATGG-A. GRCh37 (hg19) VCF-style: chr4-5803766-AAGGATCATGG-A.
Other names: c.2399_2408del, p.Ile800fs (NM_001306090.2); short protein forms I800fs.
Identifiers: ClinVar variation 2947149 (VCV002947149.3), dbSNP rs2474507433, ClinGen allele CA2573335104.
Genomic context (GRCh38, chr4:5,802,039, plus strand): 5'-CGTCTACGTGACCAGCGCTGGTGTCAGCCGCCTGGTGCAGGCGTATTACCAGCAAATCGG[AAGGATCATGG>A]AGGACCACGAGGAGAGAAAACTGCAGCACCTGAAGACCCTGCAGGGTACGGGACCCCCCC-3'

ClinVar aggregate classification (germline): Pathogenic (1 of 4 stars; one submission).

Conditions:
Curry-Hall syndrome (WAD). Also called: WEYERS ACRODENTAL DYSOSTOSIS. Identifiers: Orphanet 952, MedGen C0457013, MONDO:0008673, OMIM 193530.
Ellis-van Creveld syndrome (EVC). Also called: EVC-Related Ellis-van Creveld Syndrome; EVC2-Related Ellis-van Creveld Syndrome; MESOECTODERMAL DYSPLASIA; Chondroectodermal dysplasia. Identifiers: Orphanet 289, MedGen C0013903, MONDO:0009162, OMIM 225500.

Submission:

Labcorp Genetics (formerly Invitae), Labcorp
Classification: Pathogenic for Curry-Hall syndrome; Ellis-van Creveld syndrome. Last evaluated: 2023-04-26. Review status: criteria provided, single submitter. Criteria: Invitae Variant Classification Sherloc (09022015). Collection method: clinical testing. Allele origin: germline.
Comment: This sequence change creates a premature translational stop signal (p.Ile800Thrfs*10) in the EVC gene. It is expected to result in an absent or disrupted protein product. Loss-of-function variants in EVC are known to be pathogenic (PMID: 23220543). For these reasons, this variant has been classified as Pathogenic. This variant has not been reported in the literature in individuals affected with EVC-related conditions. This variant is not present in population databases (gnomAD no frequency).

Literature cited by the submitters: PubMed 23220543.